The following is an entry in ClinVar:

NM_013275.6(ANKRD11):c.1403G>A (p.Arg468His)

Gene: ANKRD11 (ankyrin repeat domain 11; minus strand). Cytogenetic location: 16q24.3.
Variant type: single nucleotide variant.
Coding change: c.1403G>A on transcript NM_013275.6 (MANE Select); coding-DNA position 1403, G replaced by A.
Protein change: p.Arg468His; replaces arginine 468 with histidine.
Molecular consequence: missense variant.
Genome position (GRCh38, 1-based): chr16:89,285,139, C>T on the plus strand (G>A on the coding strand, the complement: ANKRD11 is on the minus strand). VCF-style: chr16-89285139-C-T. GRCh37 (hg19) VCF-style: chr16-89351547-C-T.
Other names: c.1403G>A, p.Arg468His (NM_001256182.2, NM_001256183.2); short protein forms R468H.
Identifiers: ClinVar variation 1253734 (VCV001253734.4), dbSNP rs1194186968, ClinGen allele CA397165029.

ClinVar aggregate classification (germline): Conflicting classifications of pathogenicity. Review status: criteria provided, conflicting classifications (1 of 4 stars). 3 submissions from 3 submitters: Uncertain significance (2); Likely benign (1). Last evaluated 2025-05-05.

Conditions:
KBG syndrome (KBGS). Also called: ANKRD11-Related KBG Syndrome. Identifiers: Orphanet 2332, MedGen C0220687, MONDO:0007846, OMIM 148050.

Allele frequency attached by ClinVar (database versions not stated): TOPMed 0.00001; gnomAD exomes 0.00002.
gnomAD v4.1: 23 of 1,613,612 alleles (0.0014%); highest among the groups gnomAD compares: Admixed American, 0.0033%; no homozygotes.

Submissions (3):

Labcorp Genetics (formerly Invitae), Labcorp
Classification: Uncertain significance for KBG syndrome. Last evaluated: 2025-05-05. Review status: criteria provided, single submitter. Criteria: Invitae Variant Classification Sherloc (09022015). Collection method: clinical testing. Allele origin: germline.
Comment: This sequence change replaces arginine, which is basic and polar, with histidine, which is basic and polar, at codon 468 of the ANKRD11 protein (p.Arg468His). This variant is present in population databases (no rsID available, gnomAD 0.003%). This variant has not been reported in the literature in individuals affected with ANKRD11-related conditions. ClinVar contains an entry for this variant (Variation ID: 1253734). Invitae Evidence Modeling of protein sequence and biophysical properties (such as structural, functional, and spatial information, amino acid conservation, physicochemical variation, residue mobility, and thermodynamic stability) indicates that this missense variant is not expected to disrupt ANKRD11 protein function with a negative predictive value of 95%. In summary, the available evidence is currently insufficient to determine the role of this variant in disease. Therefore, it has been classified as a Variant of Uncertain Significance.

Department of Pathology and Laboratory Medicine, Sinai Health System
Classification: Uncertain significance for KBG syndrome. Last evaluated: 2022-08-09. Review status: criteria provided, single submitter. Criteria: ACMG Guidelines, 2015. Collection method: research. Allele origin: germline.

GeneDx
Classification: Likely benign. Last evaluated: 2021-02-22. Review status: criteria provided, single submitter. Criteria: GeneDx Variant Classification Process June 2021. Collection method: clinical testing. Allele origin: germline. Affected: yes.